The following is an entry in ClinVar:

ClinVar aggregate classification (germline): Benign (1 of 4 stars; one submission).

Allele frequency attached by ClinVar (database versions not stated): gnomAD 0.99922; 1000 Genomes Project 30x 0.99953; TOPMed 0.99953; 1000 Genomes Project 0.99960.

Submission:

GeneDx
Classification: Benign. Last evaluated: 2018-06-14. Review status: criteria provided, single submitter. Criteria: GeneDx Variant Classification (06012015). Collection method: clinical testing. Allele origin: germline. Affected: yes.
Comment: This variant is considered likely benign or benign based on one or more of the following criteria: it is a conservative change, it occurs at a poorly conserved position in the protein, it is predicted to be benign by multiple in silico algorithms, and/or has population frequency not consistent with disease.

NM_002635.4(SLC25A3):c.814+249G>A

Gene: SLC25A3 (solute carrier family 25 member 3; plus strand). Cytogenetic location: 12q23.1.
Variant type: single nucleotide variant.
Coding change: c.814+249G>A on transcript NM_002635.4 (MANE Select); 249 bases into the intron after coding-DNA position 814, G replaced by A.
Molecular consequence: intron variant.
Genome position (GRCh38, 1-based): chr12:98,600,376, G>A. VCF-style: chr12-98600376-G-A. GRCh37 (hg19) VCF-style: chr12-98994154-G-A.
Other names: c.814+249G>A (NM_213611.3); c.817+249G>A (NM_005888.4).
Identifiers: ClinVar variation 678043 (VCV000678043.1), dbSNP rs2083280, ClinGen allele CA242241072.